The following is an entry in ClinVar:

NM_004870.4(MPDU1):c.514C>T (p.Gln172Ter)

Gene: MPDU1 (mannose-P-dolichol utilization defect 1; plus strand). Cytogenetic location: 17p13.1.
Variant type: single nucleotide variant.
Coding change: c.514C>T on transcript NM_004870.4 (MANE Select); coding-DNA position 514, C replaced by T.
Protein change: p.Gln172Ter; replaces glutamine 172 with a stop codon.
Molecular consequence: nonsense. On other transcripts: synonymous variant (1), non-coding transcript variant (1).
Genome position (GRCh38, 1-based): chr17:7,587,167, C>T. VCF-style: chr17-7587167-C-T. GRCh37 (hg19) VCF-style: chr17-7490485-C-T.
Other names: c.456C>T, p.Ser152= (NM_001330073.1); short protein forms Q172*.
Identifiers: ClinVar variation 930801 (VCV000930801.3), dbSNP rs999384296, ClinGen allele CA287471027.

ClinVar aggregate classification (germline): Likely pathogenic (1 of 4 stars; one submission).

Conditions:
MPDU1-congenital disorder of glycosylation. Also called: CONGENITAL DISORDER OF GLYCOSYLATION, TYPE If; CDG If; MPDU1-CDG. Identifiers: Orphanet 79323, MedGen C1836669, MONDO:0012211, OMIM 609180.

Allele frequency attached by ClinVar (database versions not stated): gnomAD exomes below 0.00001; gnomAD 0.00001; TOPMed 0.00001.
gnomAD v4.1: 5 of 1,613,950 alleles (0.00031%); highest among the groups gnomAD compares: African/African-American, 0.0013%; no homozygotes.

Submission:

Centre for Mendelian Genomics, University Medical Centre Ljubljana
Classification: Likely pathogenic for MPDU1-congenital disorder of glycosylation. Last evaluated: 2020-03-25. Review status: criteria provided, single submitter. Criteria: ACMG Guidelines, 2015. Collection method: clinical testing. Allele origin: unknown. Affected: yes.
Comment: This variant was classified as: Likely pathogenic. The following ACMG criteria were applied in classifying this variant: PVS1,PM2.